The following is an entry in ClinVar:

NM_003919.3(SGCE):c.358G>A (p.Ala120Thr)

Genes: CASD1 (CAS1 domain sialic acid O acetyltransferase 1; plus strand), SGCE (sarcoglycan epsilon; minus strand). Cytogenetic location: 7q21.3.
Variant type: single nucleotide variant.
Coding change: c.358G>A on transcript NM_003919.3 (MANE Select); coding-DNA position 358, G replaced by A.
Protein change: p.Ala120Thr; replaces alanine 120 with threonine.
Molecular consequence: missense variant.
Genome position (GRCh38, 1-based): chr7:94,628,234, C>T on the plus strand (G>A on the coding strand, the complement: SGCE is on the minus strand). VCF-style: chr7-94628234-C-T. GRCh37 (hg19) VCF-style: chr7-94257546-C-T.
Other names: c.85G>A, p.Ala29Thr (NM_001362808.2, NM_001346720.2); c.235G>A, p.Ala79Thr (NM_001362809.2, NM_001301139.2); c.358G>A, p.Ala120Thr (NM_001099400.2, NM_001099401.2, NM_001346717.2); c.466G>A, p.Ala156Thr (NM_001346713.2, NM_001346715.2); c.271G>A, p.Ala91Thr (NM_001346719.2, NM_001362807.2); short protein forms A120T, A156T, A29T, A79T, A91T.
Identifiers: ClinVar variation 1015100 (VCV001015100.8), dbSNP rs1234121565, ClinGen allele CA368237913.

ClinVar aggregate classification (germline): Uncertain significance (1 of 4 stars; one submission).

Conditions:
Myoclonic dystonia 11 (DYT11). Also called: SGCE Myoclonus-Dystonia; Myoclonus-Dystonia; Myoclonic dystonia; Dystonia 11; Dystonia, alcohol responsive; Hereditary essential myoclonus. Identifiers: Orphanet 36899, MedGen C1834570, MONDO:0008044, OMIM 159900.

Allele frequency attached by ClinVar (database versions not stated): TOPMed below 0.00001; gnomAD 0.00001.
gnomAD v4.1: 1 of 1,611,596 alleles (0.000062%); highest among the groups gnomAD compares: Non-Finnish European, 0.000085%; no homozygotes.

Submission:

Labcorp Genetics (formerly Invitae), Labcorp
Classification: Uncertain significance for Myoclonic dystonia 11. Last evaluated: 2022-08-15. Review status: criteria provided, single submitter. Criteria: Invitae Variant Classification Sherloc (09022015). Collection method: clinical testing. Allele origin: germline.
Comment: Algorithms developed to predict the effect of missense changes on protein structure and function (SIFT, PolyPhen-2, Align-GVGD) all suggest that this variant is likely to be tolerated. In summary, the available evidence is currently insufficient to determine the role of this variant in disease. Therefore, it has been classified as a Variant of Uncertain Significance. ClinVar contains an entry for this variant (Variation ID: 1015100). This variant has not been reported in the literature in individuals affected with SGCE-related conditions. This variant is not present in population databases (gnomAD no frequency). This sequence change replaces alanine, which is neutral and non-polar, with threonine, which is neutral and polar, at codon 120 of the SGCE protein (p.Ala120Thr).